The following is an entry in ClinVar:

NM_001365536.1(SCN9A):c.1729A>G (p.Ile577Val)

Genes: SCN1A-AS1 (SCN1A and SCN9A antisense RNA 1; plus strand), SCN9A (sodium voltage-gated channel alpha subunit 9; minus strand). Cytogenetic location: 2q24.3.
Variant type: single nucleotide variant.
Coding change: c.1729A>G on transcript NM_001365536.1 (MANE Select); coding-DNA position 1729, A replaced by G.
Protein change: p.Ile577Val; replaces isoleucine 577 with valine.
Molecular consequence: missense variant.
Genome position (GRCh38, 1-based): chr2:166,284,698, T>C on the plus strand (A>G on the coding strand, the complement: SCN9A is on the minus strand). VCF-style: chr2-166284698-T-C. GRCh37 (hg19) VCF-style: chr2-167141208-T-C.
Other names: p.Ile577Val; c.1729A>G, p.Ile577Val (NM_002977.4); short protein forms I577V.
Identifiers: ClinVar variation 408581 (VCV000408581.12), dbSNP rs201137237, ClinGen allele CA16610198.

ClinVar aggregate classification (germline): Uncertain significance. Review status: criteria provided, multiple submitters, no conflicts (2 of 4 stars). 3 submissions from 3 submitters: Uncertain significance (3). Last evaluated 2026-01-04.

Conditions:
Neuropathy, hereditary sensory and autonomic, type 2A (HSAN2A). Also called: WNK1-Related HSAN2 (HSAN2A); ACROOSTEOLYSIS, GIACCAI TYPE; ACROOSTEOLYSIS, NEUROGENIC; MORVAN DISEASE; NEUROPATHY, CONGENITAL SENSORY; NEUROPATHY, HEREDITARY SENSORY RADICULAR, AUTOSOMAL RECESSIVE. Identifiers: Orphanet 970, MedGen C2752089, MONDO:0024309, OMIM 201300.
Generalized epilepsy with febrile seizures plus, type 7 (GEFSP7). Also called: GEFS+, TYPE 7. Identifiers: Orphanet 36387, MedGen C2751778, MONDO:0013470, OMIM 613863.
Inborn genetic diseases. Identifiers: MedGen C0950123, MeSH D030342.

Allele frequency attached by ClinVar (database versions not stated): gnomAD exomes below 0.00001; gnomAD 0.00001; TOPMed 0.00001.
gnomAD v4.1: 6 of 1,613,890 alleles (0.00037%); highest among the groups gnomAD compares: Non-Finnish European, 0.00042%; no homozygotes.

Submissions (3):

Labcorp Genetics (formerly Invitae), Labcorp
Classification: Uncertain significance for Neuropathy, hereditary sensory and autonomic, type 2A; Generalized epilepsy with febrile seizures plus, type 7. Last evaluated: 2026-01-04. Review status: criteria provided, single submitter. Criteria: Invitae Variant Classification Sherloc (09022015). Collection method: clinical testing. Allele origin: germline.
Comment: This sequence change replaces isoleucine, which is neutral and non-polar, with valine, which is neutral and non-polar, at codon 577 of the SCN9A protein (p.Ile577Val). This variant is present in population databases (rs201137237, gnomAD 0.007%). This variant has not been reported in the literature in individuals affected with SCN9A-related conditions. ClinVar contains an entry for this variant (Variation ID: 408581). Invitae Evidence Modeling of protein sequence and biophysical properties (such as structural, functional, and spatial information, amino acid conservation, physicochemical variation, residue mobility, and thermodynamic stability) indicates that this missense variant is not expected to disrupt SCN9A protein function with a negative predictive value of 95%. In summary, the available evidence is currently insufficient to determine the role of this variant in disease. Therefore, it has been classified as a Variant of Uncertain Significance.

Mayo Clinic Laboratories, Mayo Clinic
Classification: Uncertain significance. Last evaluated: 2024-06-07. Review status: criteria provided, single submitter. Criteria: ACMG Guidelines, 2015. Collection method: clinical testing. Allele origin: germline. Observed: 1 variant allele.

Ambry Genetics
Classification: Uncertain significance for Inborn genetic diseases. Last evaluated: 2024-04-09. Review status: criteria provided, single submitter. Criteria: Ambry Variant Classification Scheme 2023. Collection method: clinical testing. Allele origin: germline.